The following is an entry in ClinVar:

NM_001292063.2(OTOG):c.7199del (p.Cys2400fs)

Gene: OTOG (otogelin; plus strand). Cytogenetic location: 11p15.1.
Variant type: Deletion.
Coding change: c.7199del on transcript NM_001292063.2 (MANE Select); coding-DNA position 7199, one base deleted (G; older notation c.7199delG).
Protein change: p.Cys2400fs; shifts the reading frame from cysteine 2400.
Molecular consequence: frameshift variant.
Genome position (GRCh38, 1-based): chr11:17,633,806, G deleted. VCF-style (leftmost placement, unchanged base first): chr11-17633805-TG-T. GRCh37 (hg19) VCF-style: chr11-17655352-TG-T.
Other names: c.7235del, p.Cys2412fs (NM_001277269.2); c.7235delG (NM_001277269.1); short protein forms C2400fs, C2412fs.
Identifiers: ClinVar variation 560902 (VCV000560902.2), dbSNP rs1565127413, ClinGen allele CA658822874.

ClinVar aggregate classification (germline): Pathogenic/Likely pathogenic. Review status: no assertion criteria provided (0 of 4 stars). 2 submissions from 2 submitters: Pathogenic (1); Likely pathogenic (1). Last evaluated 2018-09-10.

Conditions:
Hearing loss, autosomal recessive. Also called: Rare autosomal recessive non-syndromic sensorineural deafness type DFNB; Nonsyndromic Hearing Loss, Recessive; Deafness, autosomal recessive; Autosomal recessive nonsyndromic deafness. Identifiers: Orphanet 90635, Orphanet 90636, MedGen C1846647, MONDO:0019588, OMIM 607197.
Deafness. Identifiers: MedGen C0011053, HP:0000365.

Submissions (2):

Center for Statistical Genetics, Columbia University
Classification: Pathogenic for Deafness. Last evaluated: 2018-09-10. Review status: no assertion criteria provided. Collection method: research. Allele origin: inherited. Affected: yes.
Comment: Autosomal recessive

University of Washington Center for Mendelian Genomics, University of Washington
Classification: Likely pathogenic for non-syndromic autosomal recessive hearing loss. Review status: no assertion criteria provided. Collection method: research. Allele origin: inherited. Affected: yes.

Literature cited by the submitters: PubMed 30303587 (cited by University of Washington Center for Mendelian Genomics, University of Washington).